The following is an entry in ClinVar:

Conditions:
Breast-ovarian cancer, familial, susceptibility to, 1 (BROVCA1). Also called: BRCA1 Hereditary Breast and Ovarian Cancer; OVARIAN CANCER, SUSCEPTIBILITY TO. Identifiers: Orphanet 145, MedGen C2676676, MONDO:0011450, OMIM 604370. Disease mechanism: loss of function.

Submission:

Brotman Baty Institute, University of Washington
No classification provided (evidence only). Condition: Breast-ovarian cancer, familial 1. Review status: no classification provided. Collection method: in vitro. Allele origin: not applicable. Functional consequence: functionally_abnormal.
ClinVar note: "not provided" was previously submitted as the classification for the variant. However, the classification appeared to be based only on an observation of functional data so it was converted to no classification on 2025-07-30.

NM_007294.4(BRCA1):c.5228G>T (p.Gly1743Val)

Gene: BRCA1 (BRCA1 DNA repair associated; minus strand). Cytogenetic location: 17q21.31.
Variant type: single nucleotide variant.
Coding change: c.5228G>T on transcript NM_007294.4 (MANE Select); coding-DNA position 5228, G replaced by T.
Protein change: p.Gly1743Val; replaces glycine 1743 with valine.
Molecular consequence: missense variant. On other transcripts: non-coding transcript variant (1).
Genome position (GRCh38, 1-based): chr17:43,057,101, C>A on the plus strand (G>T on the coding strand, the complement: BRCA1 is on the minus strand). VCF-style: chr17-43057101-C-A. GRCh37 (hg19) VCF-style: chr17-41209118-C-A.
Other names: c.5222G>T, p.Gly1741Val (NM_001407861.1, NM_001407629.1, NM_001407630.1 and 14 more transcripts); c.5027G>T, p.Gly1676Val (NM_001407862.1); c.5024G>T, p.Gly1675Val (NM_001407863.1); c.5021G>T, p.Gly1674Val (NM_001407874.1, NM_001407875.1); c.5018G>T, p.Gly1673Val (NM_001407879.1, NM_001407881.1, NM_001407882.1 and 5 more transcripts); c.5015G>T, p.Gly1672Val (NM_001407900.1, NM_001407902.1, NM_001407904.1 and 12 more transcripts); c.5012G>T, p.Gly1671Val (NM_001407915.1, NM_001407916.1, NM_001407917.1 and 1 more transcripts); c.4964G>T, p.Gly1655Val (NM_001407926.1, NM_001407920.1, NM_001407921.1 and 4 more transcripts); and 72 more; short protein forms G1696V, G1764V, G639V, G1743V, G1630V, G1654V, G1673V, G1674V.
Identifiers: ClinVar variation 867254 (VCV000867254.3), dbSNP rs1346819781, ClinGen allele CA10591085.